The following is an entry in ClinVar:

NM_001378454.1(ALMS1):c.5180C>T (p.Pro1727Leu)

Gene: ALMS1 (ALMS1 centrosome and basal body associated protein; plus strand). Cytogenetic location: 2p13.1.
Variant type: single nucleotide variant.
Coding change: c.5180C>T on transcript NM_001378454.1 (MANE Select); coding-DNA position 5180, C replaced by T.
Protein change: p.Pro1727Leu; replaces proline 1727 with leucine.
Molecular consequence: missense variant.
Genome position (GRCh38, 1-based): chr2:73,451,707, C>T. VCF-style: chr2-73451707-C-T. GRCh37 (hg19) VCF-style: chr2-73678834-C-T.
Other names: c.5183C>T, p.Pro1728Leu (NM_015120.4); short protein forms P1728L, P1727L.
Identifiers: ClinVar variation 2072051 (VCV002072051.3), dbSNP rs1671944251, ClinGen allele CA347280282.

ClinVar aggregate classification (germline): Uncertain significance (1 of 4 stars; one submission).

Conditions:
Alstrom syndrome (ALMS). Identifiers: Orphanet 64, MedGen C0268425, MONDO:0008763, OMIM 203800.

Allele frequency attached by ClinVar (database versions not stated): TOPMed below 0.00001.

Submission:

Labcorp Genetics (formerly Invitae), Labcorp
Classification: Uncertain significance for Alstrom syndrome. Last evaluated: 2025-06-12. Review status: criteria provided, single submitter. Criteria: Invitae Variant Classification Sherloc (09022015). Collection method: clinical testing. Allele origin: germline.
Comment: This sequence change replaces proline, which is neutral and non-polar, with leucine, which is neutral and non-polar, at codon 1728 of the ALMS1 protein (p.Pro1728Leu). This variant is not present in population databases (gnomAD no frequency). This variant has not been reported in the literature in individuals affected with ALMS1-related conditions. ClinVar contains an entry for this variant (Variation ID: 2072051). Experimental studies and prediction algorithms are not available or were not evaluated, and the functional significance of this variant is currently unknown. In summary, the available evidence is currently insufficient to determine the role of this variant in disease. Therefore, it has been classified as a Variant of Uncertain Significance.